The following is an entry in ClinVar:

ClinVar aggregate classification (germline): Uncertain significance (1 of 4 stars; one submission).

Conditions:
Familial cold autoinflammatory syndrome 4 (FCAS4). Identifiers: Orphanet 47045, Orphanet 576349, MedGen C4015276, MONDO:0014498, OMIM 616115.
Periodic fever-infantile enterocolitis-autoinflammatory syndrome. Also called: Autoinflammation with infantile enterocolitis. Identifiers: Orphanet 436166, MedGen C4015067, MONDO:0014472, OMIM 616050.

Allele frequency attached by ClinVar (database versions not stated): gnomAD 0.00004 and 0.00003; gnomAD exomes 0.00001; TOPMed 0.00003.
gnomAD v4.1: 8 of 1,614,074 alleles (0.0005%); highest among the groups gnomAD compares: Admixed American, 0.013%; no homozygotes.

Submission:

Labcorp Genetics (formerly Invitae), Labcorp
Classification: Uncertain significance for Periodic fever-infantile enterocolitis-autoinflammatory syndrome; Familial cold autoinflammatory syndrome 4. Last evaluated: 2022-07-19. Review status: criteria provided, single submitter. Criteria: Invitae Variant Classification Sherloc (09022015). Collection method: clinical testing. Allele origin: germline.
Comment: This variant has not been reported in the literature in individuals affected with NLRC4-related conditions. In summary, the available evidence is currently insufficient to determine the role of this variant in disease. Therefore, it has been classified as a Variant of Uncertain Significance. Algorithms developed to predict the effect of missense changes on protein structure and function (SIFT, PolyPhen-2, Align-GVGD) all suggest that this variant is likely to be disruptive. ClinVar contains an entry for this variant (Variation ID: 1420894). This variant is present in population databases (no rsID available, gnomAD 0.009%). This sequence change replaces tyrosine, which is neutral and polar, with cysteine, which is neutral and slightly polar, at codon 493 of the NLRC4 protein (p.Tyr493Cys).

NM_001199138.2(NLRC4):c.1478A>G (p.Tyr493Cys)

Gene: NLRC4 (NLR family CARD domain containing 4; minus strand). Cytogenetic location: 2p22.3.
Variant type: single nucleotide variant.
Coding change: c.1478A>G on transcript NM_001199138.2 (MANE Select); coding-DNA position 1478, A replaced by G.
Protein change: p.Tyr493Cys; replaces tyrosine 493 with cysteine.
Molecular consequence: missense variant. On other transcripts: intron variant (1).
Genome position (GRCh38, 1-based): chr2:32,250,386, T>C on the plus strand (A>G on the coding strand, the complement: NLRC4 is on the minus strand). VCF-style: chr2-32250386-T-C. GRCh37 (hg19) VCF-style: chr2-32475455-T-C.
Other names: c.1478A>G, p.Tyr493Cys (NM_001199139.2, NM_021209.5); c.262+2033A>G (NM_001302504.1); short protein forms Y493C.
Identifiers: ClinVar variation 1420894 (VCV001420894.8), dbSNP rs1234981264, ClinGen allele CA346512375.